The following is an entry in ClinVar:

ClinVar aggregate classification (germline): Conflicting classifications of pathogenicity. Review status: criteria provided, conflicting classifications (1 of 4 stars). 3 submissions from 3 submitters: Uncertain significance (1); Likely benign (1). 1 of the submissions does not count toward it. Last evaluated 2026-01-26.

Conditions:
Inborn genetic diseases. Identifiers: MedGen C0950123, MeSH D030342.
TONSL-related disorder. Also called: TONSL-related condition.

Allele frequency attached by ClinVar (database versions not stated): gnomAD exomes 0.00027 and 0.00067; ExAC 0.00074; ESP Exome Variant Server 0.00131; 1000 Genomes Project 0.00140; 1000 Genomes Project 30x 0.00141; gnomAD 0.00169 and 0.00178; TOPMed 0.00193.
gnomAD v4.1: 660 of 1,612,836 alleles (0.041%); highest among the groups gnomAD compares: African/African-American, 0.51%; 2 homozygotes.

Submissions (3):

Labcorp Genetics (formerly Invitae), Labcorp
Classification: Likely benign. Last evaluated: 2026-01-26. Review status: criteria provided, single submitter. Criteria: Invitae Variant Classification Sherloc (09022015). Collection method: clinical testing. Allele origin: germline.

Ambry Genetics
Classification: Uncertain significance for Inborn genetic diseases. Last evaluated: 2024-10-20. Review status: criteria provided, single submitter. Criteria: Ambry Variant Classification Scheme 2023. Collection method: clinical testing. Allele origin: germline.

PreventionGenetics, part of Exact Sciences
Classification: Likely benign for TONSL-related condition. Last evaluated: 2019-11-26. Review status: no assertion criteria provided. Collection method: clinical testing. Allele origin: germline. Not counted in ClinVar's aggregate classification.
Comment: This variant is classified as likely benign based on ACMG/AMP sequence variant interpretation guidelines (Richards et al. 2015 PMID: 25741868, with internal and published modifications).

NM_013432.5(TONSL):c.2677G>A (p.Ala893Thr)

Genes: TONSL (tonsoku like, DNA repair protein; minus strand), TONSL-AS1 (TONSL antisense RNA 1; plus strand). Cytogenetic location: 8q24.3.
Variant type: single nucleotide variant.
Coding change: c.2677G>A on transcript NM_013432.5 (MANE Select); coding-DNA position 2677, G replaced by A.
Protein change: p.Ala893Thr; replaces alanine 893 with threonine.
Molecular consequence: missense variant.
Genome position (GRCh38, 1-based): chr8:144,435,756, C>T on the plus strand (G>A on the coding strand, the complement: TONSL is on the minus strand). VCF-style: chr8-144435756-C-T. GRCh37 (hg19) VCF-style: chr8-145661139-C-T.
Other names: c.2677G>A (NM_013432.4); short protein forms A893T.
Identifiers: ClinVar variation 1557300 (VCV001557300.11), dbSNP rs148167168, ClinGen allele CA4942757.
Genomic context (GRCh38, chr8:144,435,756, plus strand): 5'-CTGAGACCCTGGGGGTGCTGGGGCTCCCTGGAGGTTCTGAAGCCAGGCTGCTGGGCCCTG[C>T]GTTAACTGGCGCACTGCAACTCTGCATGCAGGTCAGGCGGACCTGCTTGGCTCGGGCACG-3'
Protein context (NP_038460.4, residues 883-903): CMQSCSAPVN[Ala893Thr]GPSSLASEPP